The following is an entry in ClinVar:

NM_000179.3(MSH6):c.1753C>G (p.Leu585Val)

Gene: MSH6 (mutS homolog 6; plus strand). Cytogenetic location: 2p16.3.
Variant type: single nucleotide variant.
Coding change: c.1753C>G on transcript NM_000179.3 (MANE Select); coding-DNA position 1753, C replaced by G.
Protein change: p.Leu585Val; replaces leucine 585 with valine.
Molecular consequence: missense variant.
Genome position (GRCh38, 1-based): chr2:47,799,736, C>G. VCF-style: chr2-47799736-C-G. GRCh37 (hg19) VCF-style: chr2-48026875-C-G.
Other names: c.1363C>G, p.Leu455Val (NM_001281492.2); c.847C>G, p.Leu283Val (NM_001281493.2, NM_001281494.2); short protein forms L585V, L455V, L283V.
Identifiers: ClinVar variation 571787 (VCV000571787.14), dbSNP rs1558662820, ClinGen allele CA346748973.

ClinVar aggregate classification (germline): Uncertain significance. Review status: criteria provided, multiple submitters, no conflicts (2 of 4 stars). 4 submissions from 4 submitters: Uncertain significance (4). Last evaluated 2025-03-26.

Conditions:
Hereditary nonpolyposis colorectal neoplasms. Identifiers: MedGen C0009405, MeSH D003123.
Lynch syndrome. Identifiers: Orphanet 144, MedGen C4552100, MONDO:0005835. Disease mechanism: loss of function.
Hereditary cancer-predisposing syndrome. Also called: Hereditary neoplastic syndrome; Tumor predisposition; Neoplastic Syndromes, Hereditary; Hereditary Cancer Syndrome. Identifiers: Orphanet 140162, MedGen C0027672, MeSH D009386, MONDO:0015356.

gnomAD v4.1: 2 of 1,614,152 alleles (0.00012%); highest among the groups gnomAD compares: Non-Finnish European, 0.00017%; no homozygotes.

Submissions (4):

Ambry Genetics
Classification: Uncertain significance for Hereditary cancer-predisposing syndrome. Last evaluated: 2025-03-26. Review status: criteria provided, single submitter. Criteria: Ambry Variant Classification Scheme 2023. Collection method: clinical testing. Allele origin: germline.
Comment: The p.L585V variant (also known as c.1753C>G), located in coding exon 4 of the MSH6 gene, results from a C to G substitution at nucleotide position 1753. The leucine at codon 585 is replaced by valine, an amino acid with highly similar properties. This amino acid position is highly conserved in available vertebrate species. In addition, this alteration is predicted to be deleterious by in silico analysis. Based on the available evidence, the clinical significance of this variant remains unclear.

Labcorp Genetics (formerly Invitae), Labcorp
Classification: Uncertain significance for Hereditary nonpolyposis colorectal neoplasms. Last evaluated: 2024-03-08. Review status: criteria provided, single submitter. Criteria: Invitae Variant Classification Sherloc (09022015). Collection method: clinical testing. Allele origin: germline.
Comment: This sequence change replaces leucine, which is neutral and non-polar, with valine, which is neutral and non-polar, at codon 585 of the MSH6 protein (p.Leu585Val). This variant is not present in population databases (gnomAD no frequency). This variant has not been reported in the literature in individuals affected with MSH6-related conditions. ClinVar contains an entry for this variant (Variation ID: 571787). Advanced modeling of protein sequence and biophysical properties (such as structural, functional, and spatial information, amino acid conservation, physicochemical variation, residue mobility, and thermodynamic stability) has been performed at Invitae for this missense variant, however the output from this modeling did not meet the statistical confidence thresholds required to predict the impact of this variant on MSH6 protein function. This variant disrupts the p.Leu585 amino acid residue in MSH6. Other variant(s) that disrupt this residue have been determined to be pathogenic (PMID: 22581703, 25617771, 28466842). This suggests that this residue is clinically significant, and that variants that disrupt this residue are likely to be disease-causing. In summary, the available evidence is currently insufficient to determine the role of this variant in disease. Therefore, it has been classified as a Variant of Uncertain Significance.

All of Us Research Program, National Institutes of Health
Classification: Uncertain significance for Lynch syndrome. Last evaluated: 2023-05-16. Review status: criteria provided, single submitter. Criteria: ACMG Guidelines, 2015. Collection method: clinical testing. Allele origin: germline. Inheritance: Autosomal dominant inheritance. Observed: 2 variant alleles, 2 heterozygotes.
Comment: This missense variant replaces leucine with valine at codon 585 of the MSH6 protein. Computational prediction suggests that this variant may have deleterious impact on protein structure and function (internally defined REVEL score threshold >= 0.7, PMID: 27666373). To our knowledge, functional studies have not been reported for this variant. This variant has not been reported in individuals affected with MSH6-related disorders in the literature. This variant has not been identified in the general population by the Genome Aggregation Database (gnomAD). The available evidence is insufficient to determine the role of this variant in disease conclusively. Therefore, this variant is classified as a Variant of Uncertain Significance.

This study involves interpretation of variants in research participants for the purpose of population health screening. Participant phenotype was not available at the time of variant classification. Additional details can be found in publication PMID: 35346344, PMCID: PMC8962531

Color Diagnostics, LLC DBA Color Health
Classification: Uncertain significance for Hereditary cancer-predisposing syndrome. Last evaluated: 2022-11-21. Review status: criteria provided, single submitter. Criteria: ACMG Guidelines, 2015. Collection method: clinical testing. Allele origin: germline.
Comment: This missense variant replaces leucine with valine at codon 585 of the MSH6 protein. Computational prediction suggests that this variant may have deleterious impact on protein structure and function (internally defined REVEL score threshold >= 0.7, PMID: 27666373). To our knowledge, functional studies have not been reported for this variant. This variant has not been reported in individuals affected with MSH6-related disorders in the literature. This variant has not been identified in the general population by the Genome Aggregation Database (gnomAD). The available evidence is insufficient to determine the role of this variant in disease conclusively. Therefore, this variant is classified as a Variant of Uncertain Significance.

Literature cited by the submitters: PubMed 22581703 (cited by Labcorp Genetics (formerly Invitae), Labcorp); PubMed 25617771 (cited by Labcorp Genetics (formerly Invitae), Labcorp); PubMed 28466842 (cited by Labcorp Genetics (formerly Invitae), Labcorp).